The following is an entry in ClinVar:

ClinVar aggregate classification (germline): Likely benign (1 of 4 stars; one submission).

Allele frequency attached by ClinVar (database versions not stated): gnomAD exomes 0.00010; ExAC 0.00030; 1000 Genomes Project 30x 0.00031; 1000 Genomes Project 0.00040; gnomAD 0.00080; TOPMed 0.00097; ESP Exome Variant Server 0.00108.
gnomAD v4.1: 277 of 1,614,164 alleles (0.017%); highest among the groups gnomAD compares: African/African-American, 0.29%; 1 homozygote.

Submission:

CeGaT Center for Human Genetics Tuebingen
Classification: Likely benign. Last evaluated: 2022-06-01. Review status: criteria provided, single submitter. Criteria: CeGaT Center For Human Genetics Tuebingen Variant Classification Criteria Version 2. Collection method: clinical testing. Allele origin: germline. Affected: yes. Observed: 1 variant allele.
Comment: CCDC142: BP4, BP7

NM_001365575.2(CCDC142):c.955C>T (p.Leu319=)

Gene: CCDC142 (coiled-coil domain containing 142; minus strand). Cytogenetic location: 2p13.1.
Variant type: single nucleotide variant.
Coding change: c.955C>T on transcript NM_001365575.2 (MANE Select); coding-DNA position 955, C replaced by T.
Protein change: p.Leu319=; no amino-acid change (leucine 319 retained).
Molecular consequence: synonymous variant.
Genome position (GRCh38, 1-based): chr2:74,481,883, G>A on the plus strand (C>T on the coding strand, the complement: CCDC142 is on the minus strand). VCF-style: chr2-74481883-G-A. GRCh37 (hg19) VCF-style: chr2-74709010-G-A.
Other names: c.955C>T, p.Leu319= (NM_032779.4).
Identifiers: ClinVar variation 2651075 (VCV002651075.24), dbSNP rs147045106, ClinGen allele CA1725691.